The following is an entry in ClinVar:

ClinVar aggregate classification (germline): Uncertain significance (1 of 4 stars; one submission).

Conditions:
Amyotrophic lateral sclerosis type 1 (ALS1). Also called: AMYOTROPHIC LATERAL SCLEROSIS 1, FAMILIAL. Identifiers: Orphanet 803, MedGen C1862939, MONDO:0007103, OMIM 105400.
Neuronopathy, distal hereditary motor, type 7B. Also called: NEURONOPATHY, DISTAL HEREDITARY MOTOR, AUTOSOMAL DOMINANT 14; NEURONOPATHY, DISTAL HEREDITARY MOTOR, HARDING TYPE VIIB; NEUROPATHY, DISTAL HEREDITARY MOTOR, HARDING TYPE VIIB; NEUROPATHY, DISTAL HEREDITARY MOTOR, WITH VOCAL CORD PARALYSIS, HARDING TYPE VIIB; Distal Hereditary Motor Neuronopathy Type 7B (dHMN7B); HMN VIIB. Identifiers: Orphanet 139589, MedGen C1843315, MONDO:0011879, OMIM 607641.
Perry syndrome. Also called: PARKINSONISM WITH ALVEOLAR HYPOVENTILATION AND MENTAL DEPRESSION. Identifiers: Orphanet 178509, MedGen C1868594, MONDO:0008201, OMIM 168605.

Allele frequency attached by ClinVar (database versions not stated): gnomAD exomes below 0.00001.
gnomAD v4.1: 6 of 1,598,836 alleles (0.00038%); highest among the groups gnomAD compares: South Asian, 0.0057%; no homozygotes.

Submission:

Labcorp Genetics (formerly Invitae), Labcorp
Classification: Uncertain significance for Amyotrophic lateral sclerosis type 1; Neuronopathy, distal hereditary motor, type 7B; Perry syndrome. Last evaluated: 2023-03-08. Review status: criteria provided, single submitter. Criteria: Invitae Variant Classification Sherloc (09022015). Collection method: clinical testing. Allele origin: germline.
Comment: This sequence change replaces alanine, which is neutral and non-polar, with valine, which is neutral and non-polar, at codon 175 of the DCTN1 protein (p.Ala175Val). In summary, the available evidence is currently insufficient to determine the role of this variant in disease. Therefore, it has been classified as a Variant of Uncertain Significance. Advanced modeling of protein sequence and biophysical properties (such as structural, functional, and spatial information, amino acid conservation, physicochemical variation, residue mobility, and thermodynamic stability) performed at Invitae indicates that this missense variant is not expected to disrupt DCTN1 protein function. This variant has not been reported in the literature in individuals affected with DCTN1-related conditions. The frequency data for this variant in the population databases is considered unreliable, as metrics indicate poor data quality at this position in the gnomAD database.

NM_004082.5(DCTN1):c.524C>T (p.Ala175Val)

Gene: DCTN1 (dynactin subunit 1; minus strand). Cytogenetic location: 2p13.1.
Variant type: single nucleotide variant.
Coding change: c.524C>T on transcript NM_004082.5 (MANE Select); coding-DNA position 524, C replaced by T.
Protein change: p.Ala175Val; replaces alanine 175 with valine.
Molecular consequence: missense variant. On other transcripts: non-coding transcript variant (1).
Genome position (GRCh38, 1-based): chr2:74,371,658, G>A on the plus strand (C>T on the coding strand, the complement: DCTN1 is on the minus strand). VCF-style: chr2-74371658-G-A. GRCh37 (hg19) VCF-style: chr2-74598785-G-A.
Other names: c.464C>T, p.Ala155Val (NM_001135040.3); c.122C>T, p.Ala41Val (NM_001135041.3, NM_023019.4); c.413C>T, p.Ala138Val (NM_001190836.2); c.503C>T, p.Ala168Val (NM_001190837.2); c.473C>T, p.Ala158Val (NM_001378991.1); c.455C>T, p.Ala152Val (NM_001378992.1); short protein forms A175V, A41V, A158V, A138V, A152V, A155V, A168V.
Identifiers: ClinVar variation 2929644 (VCV002929644.3), dbSNP rs1391794938, ClinGen allele CA347367526.
Genomic context (GRCh38, chr2:74,371,658, plus strand): 5'-ATGGGTGCTGCCAGCGGAGTCTGAGCCGGGGTGCTGGGCTCACTGCTGCTCAGCTCACCT[G>A]CTGACGCTGAGCCAGAGGGGCCCAGGGAGCTACTGGCCCCAGCCACCCCAGTACTGGCTG-3'
Protein context (NP_004073.2, residues 165-185): SSLGPSGSAS[Ala175Val]GELSSSEPST